The following is an entry in ClinVar:

NM_001305624.1(CALM2):c.8G>A (p.Arg3His)

Gene: CALM2 (calmodulin 2; minus strand). Cytogenetic location: 2p21.
Variant type: single nucleotide variant.
Coding change: c.8G>A on transcript NM_001305624.1; coding-DNA position 8, G replaced by A.
Protein change: p.Arg3His; replaces arginine 3 with histidine.
Molecular consequence: missense variant. On other transcripts: intron variant (1).
Genome position (GRCh38, 1-based): chr2:47,176,534, C>T on the plus strand (G>A on the coding strand, the complement: CALM2 is on the minus strand). VCF-style: chr2-47176534-C-T. GRCh37 (hg19) VCF-style: chr2-47403673-C-T.
Other names: c.-106+315G>A (NM_001305625.2); short protein forms R3H.
Identifiers: ClinVar variation 1806166 (VCV001806166.1), dbSNP rs373526087, ClinGen allele CA1648728.

ClinVar aggregate classification (germline): Uncertain significance (1 of 4 stars; one submission).

Conditions:
Long QT syndrome 15 (LQT15). Identifiers: Orphanet 101016, Orphanet 768, MedGen C4015695, MONDO:0014550, OMIM 616249.

Allele frequency attached by ClinVar (database versions not stated): ExAC 0.00011; gnomAD 0.00011; ESP Exome Variant Server 0.00044.
gnomAD v4.1: 324 of 1,580,966 alleles (0.02%); highest among the groups gnomAD compares: Non-Finnish European, 0.027%; no homozygotes.

Submission:

Victorian Clinical Genetics Services, Murdoch Childrens Research Institute
Classification: Uncertain significance for Long QT syndrome 15. Last evaluated: 2021-05-06. Review status: criteria provided, single submitter. Criteria: ACMG Guidelines, 2015. Collection method: clinical testing. Allele origin: germline. Inheritance: Autosomal dominant inheritance. Affected: yes.
Comment: Based on the classification scheme VCGS_Germline_v1.3.4, this variant is classified as VUS-3C. Following criteria are met: 0104 - Dominant negative is a reported mechanism of disease in this gene and is associated with Long QT syndrome 15 (MIM#616249) (PMID: 27765793). (I) 0107 - This gene is associated with autosomal dominant disease. (I) 0200 - Variant is predicted to result in a missense amino acid change from arginine to histidine. (I) 0219 - This variant is non-coding in an alternative transcript, including the one predominantly reported in ClinVar and with highest expression in heart and associated tissues (GTEx), in which it is located in the 5’-UTR. (I) 0251 - This variant is heterozygous. (I) 0302 - Variant is present in gnomAD (v2) <0.001 for a dominant condition (23 heterozygotes, 0 homozygote). (SP) 0309 - An alternative amino acid change at the same position has been observed in gnomAD (v3) (209 heterozygotes, 1 homozygote), prevalent in African and African American subpopulation with a frequency of 0.004861. (I) 0503 - Missense variant consistently predicted to be tolerated by multiple in silico tools or not conserved in placental mammals with a minor amino acid change. (SB) 0604 - Variant is not located in an established domain, motif, hotspot or informative constraint region. (I) 0709 - Other missense variant comparable to the one identified in this case has previous evidence for being benign. The p.(Arg3Ser) has been reported benign in LOVD however, no condition was provided. (SB) 0808 - Previous reports of pathogenicity for this variant are conflicting. It has been reported as likely benign and VUS in LOVD however, no condition was provided. (I) 0905 - No published segregation evidence has been identified for this variant. (I) 1007 - No published functional evidence has been identified for this variant. (I) 1208 - Inheritance information for this variant is not currently available in this individual. (I) Legend: (SP) - Supporting pathogenic, (I) - Information, (SB) - Supporting benign

Literature cited by the submitters: PubMed 27765793.